The following is an entry in ClinVar:

NM_000095.3(COMP):c.1201G>T (p.Asp401Tyr)

Gene: COMP (cartilage oligomeric matrix protein; minus strand). Cytogenetic location: 19p13.11.
Variant type: single nucleotide variant.
Coding change: c.1201G>T on transcript NM_000095.3 (MANE Select); coding-DNA position 1201, G replaced by T.
Protein change: p.Asp401Tyr; replaces aspartic acid 401 with tyrosine.
Molecular consequence: missense variant.
Genome position (GRCh38, 1-based): chr19:18,786,585, C>A on the plus strand (G>T on the coding strand, the complement: COMP is on the minus strand). VCF-style: chr19-18786585-C-A. GRCh37 (hg19) VCF-style: chr19-18897395-C-A.
Other names: short protein forms D401Y.
Identifiers: ClinVar variation 1339213 (VCV001339213.2), dbSNP rs2055169002, ClinGen allele CA404886635.
Genomic context (GRCh38, chr19:18,786,585, plus strand): 5'-CCCTCACCTGATCCGGGTTGCTCTTCTGGGGACAGTTGTCACAGGCATCCCCTATACCAT[C>A]GCCATCACTGTCCTTCTGGTCTGAGTTGGGTACCCTAGGGCAGTTGTCGGCCTGGTTGCG-3'
Protein context (NP_000086.2, residues 391-411): PNSDQKDSDG[Asp401Tyr]GIGDACDNCP

ClinVar aggregate classification (germline): Likely pathogenic (1 of 4 stars; one submission).

Conditions:
Multiple epiphyseal dysplasia type 1. Also called: COMP-Related Multiple Epiphyseal Dysplasia. Identifiers: Orphanet 93308, MedGen C1838280, MONDO:0007561, OMIM 132400.

Submission:

Neuberg Centre For Genomic Medicine, NCGM
Classification: Likely pathogenic for Multiple epiphyseal dysplasia type 1. Review status: criteria provided, single submitter. Criteria: ACMG Guidelines, 2015. Collection method: clinical testing. Allele origin: germline. Affected: yes.
Comment: The missense variant p.D401Y in COMP (NM_000095.3) has been reported previously in a patient with multiple epiphyseal dysplasia. The p.D401Y variant is novel (not in any individuals) in gnomAD Exomes and is novel (not in any individuals) in 1000 Genomes. There is a large physicochemical difference between aspartic acid and tyrosine, which is likely to impact secondary protein structure as these residues differ in polarity, charge, size and/or other properties. The p.D401Y missense variant is predicted to be damaging by both SIFT and PolyPhen2. The aspartic acid residue at codon 401 of COMP is conserved in all mammalian species. The nucleotide c.1201 in COMP is predicted conserved by GERP++ and PhyloP across 100 vertebrates. For these reasons, this variant has been classified as Likely Pathogenic.